The following is an entry in ClinVar:

NM_001033855.3(DCLRE1C):c.457G>A (p.Gly153Arg)

Gene: DCLRE1C (DNA cross-link repair 1C; minus strand). Cytogenetic location: 10p13.
Variant type: single nucleotide variant.
Coding change: c.457G>A on transcript NM_001033855.3 (MANE Select); coding-DNA position 457, G replaced by A.
Protein change: p.Gly153Arg; replaces glycine 153 with arginine.
Molecular consequence: missense variant. On other transcripts: non-coding transcript variant (4).
Genome position (GRCh38, 1-based): chr10:14,935,470, C>T on the plus strand (G>A on the coding strand, the complement: DCLRE1C is on the minus strand). VCF-style: chr10-14935470-C-T. GRCh37 (hg19) VCF-style: chr10-14977469-C-T.
Other names: NM_001033855.3(DCLRE1C):c.457G>A; c.97G>A, p.Gly33Arg (NM_001033857.3, NM_001033858.3, NM_001289077.2 and 2 more transcripts); c.112G>A, p.Gly38Arg (NM_001289076.2, NM_001289078.2, NM_001350966.2 and 1 more transcripts); c.457G>A, p.Gly153Arg (NM_001350965.2); short protein forms G153R, G33R, G38R.
Identifiers: ClinVar variation 35998 (VCV000035998.70), dbSNP rs41297018, ClinGen allele CA213680.

ClinVar aggregate classification (germline): Benign. Review status: reviewed by expert panel (3 of 4 stars). 15 submissions from 15 submitters: Benign (1). 14 of the submissions do not count toward it. Last evaluated 2023-11-14.

Conditions:
Histiocytic medullary reticulosis. Also called: Omenn syndrome; SEVERE COMBINED IMMUNODEFICIENCY WITH HYPEREOSINOPHILIA. Identifiers: Orphanet 39041, MedGen C2700553, MONDO:0011338, OMIM 603554.
Severe combined immunodeficiency due to DCLRE1C deficiency (RS-SCID). Also called: SCID, AUTOSOMAL RECESSIVE, T CELL-NEGATIVE, B CELL-NEGATIVE, NK CELL-POSITIVE, WITH SENSITIVITY TO IONIZING RADIATION. Identifiers: Orphanet 275, MedGen C1865371, MONDO:0011225, OMIM 602450.

Allele frequency attached by ClinVar (database versions not stated): 1000 Genomes Project 30x 0.00547; 1000 Genomes Project 0.00619; gnomAD 0.00940 and 0.00964; TOPMed 0.00971; ESP Exome Variant Server 0.01115.

Submissions 1 to 15 of 29:

ClinGen Severe Combined Immunodeficiency Variant Curation Expert Panel, ClinGen
Classification: Benign for Severe combined immunodeficiency due to DCLRE1C deficiency. Last evaluated: 2023-11-14. Review status: reviewed by expert panel. Criteria: ClinGen SCID ACMG Specifications DCLRE1C V1.0.0. Collection method: curation. Allele origin: germline. Inheritance: Autosomal recessive inheritance.
Comment: The c.457G>A (NM_001033855.3) variant in DCLRE1C is a missense variant predicted to cause the substitution of Glycine by Arginine at amino acid 153 (p.Gly153Arg). The filtering allele frequency (the lower threshold of the 95% CI of 2195/129158) of the c.457G>A variant in DCLRE1C is 0.01641 for European (non-Finnish) chromosomes by gnomAD v2.1.1, which is higher than the ClinGen SCID VCEP threshold >0.00346 for BA1, and therefore meets this criterion (BA1). Also, nineteen (19) adult homozygous individuals with this variant are present in gnomADv2.1.1 (European non-Finnish n=15, European (Finnish) n=1, Latino/Admixed American n=1, South Asian n=2)(BS2_Supporting). Additionally, a functional study showed non-dysfunction of V(D)J recombination and DNA repair (around 100% compared to wild type), and we do not find this variant described in patients with SCID due to DCLRE1C deficiency after a comprehensive literature search. In summary, this variant meets the criteria to be classified as Benign for autosomal recessive SCID based on the ACMG/AMP criteria applied, BA1 and BS2_Supporting, as specified by the ClinGen SCID VCEP (VCEP specifications version 1).

CeGaT Center for Human Genetics Tuebingen
Classification: Benign. Last evaluated: 2026-06-01. Review status: criteria provided, single submitter. Criteria: CeGaT Center For Human Genetics Tuebingen Variant Classification Criteria Version 2. Collection method: clinical testing. Allele origin: germline. Affected: yes. Observed: 19 variant alleles. Not counted in ClinVar's aggregate classification.
Comment: DCLRE1C: BS1, BS2

Labcorp Genetics (formerly Invitae), Labcorp
Classification: Benign for Athabaskan severe combined immunodeficiency. Last evaluated: 2026-02-04. Review status: criteria provided, single submitter. Criteria: Invitae Variant Classification Sherloc (09022015). Collection method: clinical testing. Allele origin: germline. Not counted in ClinVar's aggregate classification.

ARUP Laboratories, Molecular Genetics and Genomics, ARUP Laboratories
Classification: Benign. Last evaluated: 2025-05-12. Review status: criteria provided, single submitter. Criteria: ARUP Molecular Germline Variant Investigation Process 2024. Collection method: clinical testing. Allele origin: germline. Not counted in ClinVar's aggregate classification.

New York Genome Center
Classification: Uncertain significance for Severe combined immunodeficiency due to DCLRE1C deficiency. Last evaluated: 2020-07-09. Review status: criteria provided, single submitter. Criteria: NYGC Assertion Criteria 2020. Collection method: clinical testing. Allele origin: inherited. Observed: 1 heterozygote. Study: CSER-NYCKidSeq. Not counted in ClinVar's aggregate classification.

Mendelics
Classification: Benign for Severe combined immunodeficiency due to DCLRE1C deficiency. Last evaluated: 2019-05-28. Review status: criteria provided, single submitter. Criteria: Mendelics Assertion Criteria 2017. Collection method: clinical testing. Allele origin: unknown. Not counted in ClinVar's aggregate classification.

Mayo Clinic Laboratories, Mayo Clinic
Classification: Benign. Last evaluated: 2018-10-17. Review status: criteria provided, single submitter. Criteria: ACMG Guidelines, 2015. Collection method: clinical testing. Allele origin: germline. Observed: 16 variant alleles. Not counted in ClinVar's aggregate classification.

Women's Health and Genetics/Laboratory Corporation of America, LabCorp
Classification: Benign. Last evaluated: 2018-03-09. Review status: criteria provided, single submitter. Criteria: LabCorp Variant Classification Summary - May 2015. Collection method: clinical testing. Allele origin: germline. Not counted in ClinVar's aggregate classification.
Comment: Variant summary: DCLRE1C c.457G>A (p.Gly153Arg) results in a non-conservative amino acid change located in the Metallo-beta-lactamase domain of the encoded protein sequence. Three of five in-silico tools predict a damaging effect of the variant on protein function. The variant allele was found at a frequency of 0.011 in 120654 control chromosomes in the ExAC database, including 12 homozygotes. The observed variant frequency is approximately 2.72 fold of the estimated maximal expected allele frequency for a pathogenic variant in DCLRE1C causing Severe Combined Immunodeficiency Syndrome phenotype (0.0041), strongly suggesting that the variant is benign. c.457G>A has been reported in the literature in individuals affected with Severe Combined Immunodeficiency Syndrome. These report(s) do not provide unequivocal conclusions about association of the variant with Severe Combined Immunodeficiency Syndrome. At least one publication reports experimental evidence evaluating an impact on protein function. These results showed no damaging effect of this variant. Three clinical diagnostic laboratories have submitted clinical-significance assessments for this variant to ClinVar after 2014 without evidence for independent evaluation. All laboratories classified the variant as benign/likely benign. Based on the evidence outlined above, the variant was classified as benign.

GeneDx
Classification: Benign. Last evaluated: 2017-01-20. Review status: criteria provided, single submitter. Criteria: GeneDx Variant Classification (06012015). Collection method: clinical testing. Allele origin: germline. Affected: yes. Not counted in ClinVar's aggregate classification.
Comment: This variant is considered likely benign or benign based on one or more of the following criteria: it is a conservative change, it occurs at a poorly conserved position in the protein, it is predicted to be benign by multiple in silico algorithms, and/or has population frequency not consistent with disease.

Laboratory for Molecular Medicine, Mass General Brigham Personalized Medicine
Classification: Likely benign. Last evaluated: 2016-03-28. Review status: criteria provided, single submitter. Criteria: LMM Criteria. Collection method: clinical testing. Allele origin: germline. Not counted in ClinVar's aggregate classification.
Comment: Variant identified in a genome or exome case(s) and assessed due to predicted null impact of the variant or pathogenic assertions in the literature or databases. Disclaimer: This variant has not undergone full assessment. The following are preliminary notes: Variant associated with SCID, but high frequency and a functional study suggests no impact on activity.

Center for Pediatric Genomic Medicine, Children's Mercy Hospital and Clinics
Classification: Likely benign. Last evaluated: 2015-09-02. Review status: criteria provided, single submitter. Criteria: ACMG Guidelines, 2015. Collection method: clinical testing. Allele origin: germline. Not counted in ClinVar's aggregate classification.
ClinVar note: Converted during submission from Likely Benign to Likely benign.

Center for Genomics, Ann and Robert H. Lurie Children's Hospital of Chicago
Classification: Likely benign for Severe combined immunodeficiency due to DCLRE1C deficiency; Histiocytic medullary reticulosis. Review status: criteria provided, single submitter. Criteria: ACMG Guidelines, 2015. Collection method: clinical testing. Allele origin: germline. Not counted in ClinVar's aggregate classification.
Comment: This variant has been reported in the literature in at least 3 individuals with clinical phenotypes of Severe Combined Immunodeficiency (SCID) or Inflammatory Bowel Disease (IBD) (Lagresle-Peyrou 2008 PMID:18223550, Ashton 2020 PMID:32463623). This variant is present in the Genome Aggregation Database (Highest reported MAF 1.7% (2195/129158) including 15 homozygotes. Evolutionary conservation and computational predictive tools suggest that this variant may impact the protein. This variant is present in ClinVar, with several labs classifying this variant as Likely Benign or Benign (Variation ID:35998). In vitro functional studies predict that this variant will not impact the protein (Felgentreff 2015 PMID:25333069). However, these studies may not accurately represent in vivo biological function. In summary, data on this variant suggests that this variant does not cause disease but requires further evidence. Therefore, this variant is classified as likely benign.

Natera, Inc.
Classification: Benign for Omenn syndrome. Last evaluated: 2019-12-09. Review status: no assertion criteria provided. Collection method: clinical testing. Allele origin: germline. Not counted in ClinVar's aggregate classification.

Diagnostic Laboratory, Department of Genetics, University Medical Center Groningen
Classification: Benign. Review status: no assertion criteria provided. Collection method: clinical testing. Allele origin: germline. Affected: yes. Study: VKGL Data-share Consensus. Not counted in ClinVar's aggregate classification.

Dr. Peter K. Rogan Lab, Western University
No classification provided (evidence only). Condition: Clear cell carcinoma of kidney. Review status: no classification provided. Collection method: in vitro. Allele origin: not applicable. Functional consequence: retained intron. Not counted in ClinVar's aggregate classification.